The following is an entry in ClinVar:

ClinVar aggregate classification (germline): Uncertain significance (1 of 4 stars; one submission).

Conditions:
Juvenile polyposis syndrome (JPS). Identifiers: Orphanet 2929, MedGen C0345893, MONDO:0017380, OMIM 174900.

Submission:

Labcorp Genetics (formerly Invitae), Labcorp
Classification: Uncertain significance for Juvenile polyposis syndrome. Last evaluated: 2023-11-01. Review status: criteria provided, single submitter. Criteria: Invitae Variant Classification Sherloc (09022015). Collection method: clinical testing. Allele origin: germline.
Comment: This sequence change falls in intron 8 of the SMAD4 gene. It does not directly change the encoded amino acid sequence of the SMAD4 protein. This variant is not present in population databases (gnomAD no frequency). This variant has not been reported in the literature in individuals affected with SMAD4-related conditions. Algorithms developed to predict the effect of sequence changes on RNA splicing suggest that this variant may disrupt the consensus splice site. In summary, the available evidence is currently insufficient to determine the role of this variant in disease. Therefore, it has been classified as a Variant of Uncertain Significance.

NM_005359.6(SMAD4):c.956-17C>G

Gene: SMAD4 (SMAD family member 4; plus strand). Cytogenetic location: 18q21.2.
Variant type: single nucleotide variant.
Coding change: c.956-17C>G on transcript NM_005359.6 (MANE Select); 17 bases into the intron before coding-DNA position 956, C replaced by G.
Molecular consequence: intron variant.
Genome position (GRCh38, 1-based): chr18:51,065,406, C>G. VCF-style: chr18-51065406-C-G. GRCh37 (hg19) VCF-style: chr18-48591776-C-G.
Other names: c.956-17C>G (NM_001407042.1, NM_001407041.1, NM_001407043.1).
Identifiers: ClinVar variation 2773148 (VCV002773148.2), dbSNP rs1315017766, ClinGen allele CA2697555513.